The following is an entry in ClinVar:

NM_004260.4(RECQL4):c.2710C>G (p.Leu904Val)

Gene: RECQL4 (RecQ like helicase 4; minus strand). Cytogenetic location: 8q24.3.
Variant type: single nucleotide variant.
Coding change: c.2710C>G on transcript NM_004260.4 (MANE Select); coding-DNA position 2710, C replaced by G.
Protein change: p.Leu904Val; replaces leucine 904 with valine.
Molecular consequence: missense variant.
Genome position (GRCh38, 1-based): chr8:144,512,892, G>C on the plus strand (C>G on the coding strand, the complement: RECQL4 is on the minus strand). VCF-style: chr8-144512892-G-C. GRCh37 (hg19) VCF-style: chr8-145738275-G-C.
Other names: c.2416C>G, p.Leu806Val (NM_001413017.1); c.2512C>G, p.Leu838Val (NM_001413018.1); c.2710C>G, p.Leu904Val (NM_001413019.1, NM_001413036.1); c.2614C>G, p.Leu872Val (NM_001413020.1); c.1639C>G, p.Leu547Val (NM_001413021.1, NM_001413022.1, NM_001413023.1 and 5 more transcripts); c.2581C>G, p.Leu861Val (NM_001413025.1); c.1573C>G, p.Leu525Val (NM_001413027.1, NM_001413030.1, NM_001413032.1 and 1 more transcripts); c.2359C>G, p.Leu787Val (NM_001413029.1); and 6 more; short protein forms L503V, L547V, L481V, L525V, L787V, L806V, L860V, L872V.
Identifiers: ClinVar variation 2004170 (VCV002004170.4), dbSNP rs748437594, ClinGen allele CA372675066.
Genomic context (GRCh38, chr8:144,512,892, plus strand): 5'-CCCCAGGTTCCTCACCCTCCTCCGGCATGTCCAAAGCCTGTACGGTAAGCTGTATTGGGA[G>C]TGCCCGCTCATGGCCCATGCAGACCCTTCTGGGTCCTGGGGCTGCTTGGTGGCTAAGCTG-3'
Protein context (NP_004251.4, residues 894-914): RRVCMGHERA[Leu904Val]PIQLTVQALD

ClinVar aggregate classification (germline): Uncertain significance (1 of 4 stars; one submission).

Conditions:
Baller-Gerold syndrome (BGS). Also called: CRANIOSYNOSTOSIS WITH RADIAL DEFECTS. Identifiers: Orphanet 1225, MedGen C0265308, MONDO:0009039, OMIM 218600.

gnomAD v4.1: 1 of 1,593,698 alleles (0.000063%); highest among the groups gnomAD compares: Non-Finnish European, 0.000085%; no homozygotes.

Submission:

Labcorp Genetics (formerly Invitae), Labcorp
Classification: Uncertain significance for Baller-Gerold syndrome. Last evaluated: 2022-12-20. Review status: criteria provided, single submitter. Criteria: Invitae Variant Classification Sherloc (09022015). Collection method: clinical testing. Allele origin: germline.
Comment: This sequence change replaces leucine, which is neutral and non-polar, with valine, which is neutral and non-polar, at codon 904 of the RECQL4 protein (p.Leu904Val). This variant is not present in population databases (gnomAD no frequency). This variant has not been reported in the literature in individuals affected with RECQL4-related conditions. Advanced modeling of protein sequence and biophysical properties (such as structural, functional, and spatial information, amino acid conservation, physicochemical variation, residue mobility, and thermodynamic stability) performed at Invitae indicates that this missense variant is not expected to disrupt RECQL4 protein function. In summary, the available evidence is currently insufficient to determine the role of this variant in disease. Therefore, it has been classified as a Variant of Uncertain Significance.